The following is an entry in ClinVar:

ClinVar aggregate classification (germline): Uncertain significance (1 of 4 stars; one submission).

Conditions:
Autosomal recessive spastic paraplegia type 78. Identifiers: Orphanet 513436, MedGen C5567893, MONDO:0014975, OMIM 617225.
Kufor-Rakeb syndrome (KRS). Also called: PARKINSON DISEASE 9, AUTOSOMAL RECESSIVE, JUVENILE-ONSET. Identifiers: Orphanet 306674, Orphanet 314632, MedGen C1847640, MONDO:0011706, OMIM 606693.

Allele frequency attached by ClinVar (database versions not stated): TOPMed below 0.00001; ExAC 0.00001.
gnomAD v4.1: 3 of 1,607,352 alleles (0.00019%); highest among the groups gnomAD compares: Admixed American, 0.005%; no homozygotes.

Submission:

Labcorp Genetics (formerly Invitae), Labcorp
Classification: Uncertain significance for Kufor-Rakeb syndrome; Autosomal recessive spastic paraplegia type 78. Last evaluated: 2022-06-17. Review status: criteria provided, single submitter. Criteria: Invitae Variant Classification Sherloc (09022015). Collection method: clinical testing. Allele origin: germline.
Comment: This sequence change replaces proline, which is neutral and non-polar, with histidine, which is basic and polar, at codon 1080 of the ATP13A2 protein (p.Pro1080His). This variant is present in population databases (rs773379849, gnomAD 0.009%). This variant has not been reported in the literature in individuals affected with ATP13A2-related conditions. Advanced modeling of protein sequence and biophysical properties (such as structural, functional, and spatial information, amino acid conservation, physicochemical variation, residue mobility, and thermodynamic stability) performed at Invitae indicates that this missense variant is not expected to disrupt ATP13A2 protein function. In summary, the available evidence is currently insufficient to determine the role of this variant in disease. Therefore, it has been classified as a Variant of Uncertain Significance.

NM_022089.4(ATP13A2):c.3239C>A (p.Pro1080His)

Gene: ATP13A2 (ATPase cation transporting 13A2; minus strand). Cytogenetic location: 1p36.13.
Variant type: single nucleotide variant.
Coding change: c.3239C>A on transcript NM_022089.4 (MANE Select); coding-DNA position 3239, C replaced by A.
Protein change: p.Pro1080His; replaces proline 1080 with histidine.
Molecular consequence: missense variant. On other transcripts: intron variant (1).
Genome position (GRCh38, 1-based): chr1:16,986,629, G>T on the plus strand (C>A on the coding strand, the complement: ATP13A2 is on the minus strand). VCF-style: chr1-16986629-G-T. GRCh37 (hg19) VCF-style: chr1-17313124-G-T.
Other names: c.3224C>A, p.Pro1075His (NM_001141973.3); c.3103+176C>A (NM_001141974.3); short protein forms P1075H, P1080H.
Identifiers: ClinVar variation 2078375 (VCV002078375.1), dbSNP rs773379849, ClinGen allele CA636540.
Genomic context (GRCh38, chr1:16,986,629, plus strand): 5'-CCGGGGACCAGGACAAGGCCCACCAGGACGGAGCTCAGGAGCGCCAGGGCCACCAGGAAG[G>T]GCACTGGGAGCAGGAGAGTCTCTCAGGCAGGAGCCACGCCCCCCCGGCACCCACAGACAC-3'
Protein context (NP_071372.1, residues 1070-1090): PFRRPLYTNV[Pro1080His]FLVALALLSS